The following is an entry in ClinVar:

ClinVar aggregate classification (germline): Conflicting classifications of pathogenicity. Review status: criteria provided, conflicting classifications (1 of 4 stars). 4 submissions from 4 submitters: Uncertain significance (2); Benign (1). 1 of the submissions does not count toward it. Last evaluated 2024-12-20.

Conditions:
PIEZO1-related disorder. Also called: PIEZO1-related condition; PIEZO1-Related Disorders.

Allele frequency attached by ClinVar (database versions not stated): gnomAD 0.00001 and 0.00002; gnomAD exomes 0.00001 and 0.00003; TOPMed 0.00003.
gnomAD v4.1: 32 of 1,537,952 alleles (0.0021%); highest among the groups gnomAD compares: East Asian, 0.0049%; no homozygotes.

Submissions (4):

Revvity Omics, Revvity
Classification: Uncertain significance. Last evaluated: 2024-12-20. Review status: criteria provided, single submitter. Criteria: ACMG Guidelines, 2015. Collection method: clinical testing. Allele origin: germline.

Labcorp Genetics (formerly Invitae), Labcorp
Classification: Benign. Last evaluated: 2023-01-20. Review status: criteria provided, single submitter. Criteria: Invitae Variant Classification Sherloc (09022015). Collection method: clinical testing. Allele origin: germline.

CeGaT Center for Human Genetics Tuebingen
Classification: Uncertain significance. Last evaluated: 2021-11-01. Review status: criteria provided, single submitter. Criteria: CeGaT Center For Human Genetics Tuebingen Variant Classification Criteria Version 2. Collection method: clinical testing. Allele origin: germline. Affected: yes. Observed: 1 variant allele.

PreventionGenetics, part of Exact Sciences
Classification: Uncertain significance for PIEZO1-related condition. Last evaluated: 2024-02-02. Review status: no assertion criteria provided. Collection method: clinical testing. Allele origin: germline. Not counted in ClinVar's aggregate classification.
Comment: The PIEZO1 c.4744G>A variant is predicted to result in the amino acid substitution p.Glu1582Lys. To our knowledge, this variant has not been reported in the literature. This variant is reported in 0.019% of alleles in individuals of East Asian descent in gnomAD. At this time, the clinical significance of this variant is uncertain due to the absence of conclusive functional and genetic evidence.

NM_001142864.4(PIEZO1):c.4744G>A (p.Glu1582Lys)

Gene: PIEZO1 (piezo type mechanosensitive ion channel component 1 (Er blood group); minus strand). Cytogenetic location: 16q24.3.
Variant type: single nucleotide variant.
Coding change: c.4744G>A on transcript NM_001142864.4 (MANE Select); coding-DNA position 4744, G replaced by A.
Protein change: p.Glu1582Lys; replaces glutamic acid 1582 with lysine.
Molecular consequence: missense variant.
Genome position (GRCh38, 1-based): chr16:88,722,614, C>T on the plus strand (G>A on the coding strand, the complement: PIEZO1 is on the minus strand). VCF-style: chr16-88722614-C-T. GRCh37 (hg19) VCF-style: chr16-88789022-C-T.
Other names: c.4744G>A (NM_001142864.3); short protein forms E1582K.
Identifiers: ClinVar variation 1335228 (VCV001335228.39), dbSNP rs1040063411, ClinGen allele CA286409883.